The following is an entry in ClinVar:

NM_000489.6(ATRX):c.3506A>C (p.Lys1169Thr)

Gene: ATRX (ATRX chromatin remodeler; minus strand). Cytogenetic location: Xq21.1.
Variant type: single nucleotide variant.
Coding change: c.3506A>C on transcript NM_000489.6 (MANE Select); coding-DNA position 3506, A replaced by C.
Protein change: p.Lys1169Thr; replaces lysine 1169 with threonine.
Molecular consequence: missense variant.
Genome position (GRCh38, 1-based): chrX:77,681,750, T>G on the plus strand (A>C on the coding strand, the complement: ATRX is on the minus strand). VCF-style: chrX-77681750-T-G. GRCh37 (hg19) VCF-style: chrX-76937242-T-G.
Other names: c.3392A>C, p.Lys1131Thr (NM_138270.5); short protein forms K1131T, K1169T.
Identifiers: ClinVar variation 3619960 (VCV003619960.2).

ClinVar aggregate classification (germline): Uncertain significance (1 of 4 stars; one submission).

Conditions:
Alpha thalassemia-X-linked intellectual disability syndrome (ATRX). Also called: ALPHA-THALASSEMIA/MENTAL RETARDATION SYNDROME, X-LINKED; ATR, NONDELETION TYPE; ATR-X syndrome; Alpha thalassemia mental retardation syndrome, nondeletion type, X-linked; XLMR hypotonic face syndrome; X-linked alpha-thalassemia-mental retardation syndrome. Identifiers: Orphanet 847, MedGen C1845055, MONDO:0010519, OMIM 301040.

Submission:

Labcorp Genetics (formerly Invitae), Labcorp
Classification: Uncertain significance for Alpha thalassemia-X-linked intellectual disability syndrome. Last evaluated: 2025-01-20. Review status: criteria provided, single submitter. Criteria: Invitae Variant Classification Sherloc (09022015). Collection method: clinical testing. Allele origin: germline.
Comment: This sequence change replaces lysine, which is basic and polar, with threonine, which is neutral and polar, at codon 1169 of the ATRX protein (p.Lys1169Thr). This variant is not present in population databases (gnomAD no frequency). This variant has not been reported in the literature in individuals affected with ATRX-related conditions. Invitae Evidence Modeling of protein sequence and biophysical properties (such as structural, functional, and spatial information, amino acid conservation, physicochemical variation, residue mobility, and thermodynamic stability) indicates that this missense variant is not expected to disrupt ATRX protein function with a negative predictive value of 95%. In summary, the available evidence is currently insufficient to determine the role of this variant in disease. Therefore, it has been classified as a Variant of Uncertain Significance.